The following is an entry in ClinVar:

ClinVar aggregate classification (germline): Conflicting classifications of pathogenicity. Review status: criteria provided, conflicting classifications (1 of 4 stars). 2 submissions from 2 submitters: Uncertain significance (1); Likely benign (1). Last evaluated 2025-05-01.

Allele frequency attached by ClinVar (database versions not stated): gnomAD 0.00001; 1000 Genomes Project 30x 0.00016; 1000 Genomes Project 0.00020.
gnomAD v4.1: 12 of 1,613,272 alleles (0.00074%); highest among the groups gnomAD compares: African/African-American, 0.013%; no homozygotes.

Submissions (2):

CeGaT Center for Human Genetics Tuebingen
Classification: Likely benign. Last evaluated: 2025-05-01. Review status: criteria provided, single submitter. Criteria: CeGaT Center For Human Genetics Tuebingen Variant Classification Criteria Version 2. Collection method: clinical testing. Allele origin: germline. Affected: yes. Observed: 1 variant allele.
Comment: ITPR3: BS2

Ambry Genetics
Classification: Uncertain significance. Last evaluated: 2024-06-10. Review status: criteria provided, single submitter. Criteria: Ambry Variant Classification Scheme 2023. Collection method: clinical testing. Allele origin: germline.

NM_002224.4(ITPR3):c.2692C>A (p.Pro898Thr)

Gene: ITPR3 (inositol 1,4,5-trisphosphate receptor type 3; plus strand). Cytogenetic location: 6p21.31.
Variant type: single nucleotide variant.
Coding change: c.2692C>A on transcript NM_002224.4 (MANE Select); coding-DNA position 2692, C replaced by A.
Protein change: p.Pro898Thr; replaces proline 898 with threonine.
Molecular consequence: missense variant.
Genome position (GRCh38, 1-based): chr6:33,671,270, C>A. VCF-style: chr6-33671270-C-A. GRCh37 (hg19) VCF-style: chr6-33639047-C-A.
Other names: short protein forms P898T.
Identifiers: ClinVar variation 2402906 (VCV002402906.13), dbSNP rs200382899, ClinGen allele CA137134700.
Genomic context (GRCh38, chr6:33,671,270, plus strand): 5'-TTCAGCGAGCTGCTGCGGCTCACTCGCACACTGCTGGGCATCATCGACTGTGTGCAGGGG[C>A]CCCCGGCCATGCTGCAGGCCTATGAGGACCCCGGTGGTGAGGCCTTTGCCCGGCTCGGGC-3'
Protein context (NP_002215.2, residues 888-908): LLGIIDCVQG[Pro898Thr]PAMLQAYEDP